The following is an entry in ClinVar:

NM_005732.4(RAD50):c.2914T>G (p.Tyr972Asp)

Gene: RAD50 (RAD50 double strand break repair protein; plus strand). Cytogenetic location: 5q31.1.
Variant type: single nucleotide variant.
Coding change: c.2914T>G on transcript NM_005732.4 (MANE Select); coding-DNA position 2914, T replaced by G.
Protein change: p.Tyr972Asp; replaces tyrosine 972 with aspartic acid.
Molecular consequence: missense variant.
Genome position (GRCh38, 1-based): chr5:132,609,201, T>G. VCF-style: chr5-132609201-T-G. GRCh37 (hg19) VCF-style: chr5-131944893-T-G.
Other names: short protein forms Y972D.
Identifiers: ClinVar variation 1797614 (VCV001797614.3), dbSNP rs864622743, ClinGen allele CA360960035.

ClinVar aggregate classification (germline): Uncertain significance (1 of 4 stars; one submission).

Conditions:
Hereditary cancer-predisposing syndrome. Also called: Neoplastic Syndromes, Hereditary; Tumor predisposition; Hereditary Cancer Syndrome; Hereditary neoplastic syndrome. Identifiers: Orphanet 140162, MedGen C0027672, MeSH D009386, MONDO:0015356.

gnomAD v4.1: 1 of 1,610,856 alleles (0.000062%); highest among the groups gnomAD compares: Non-Finnish European, 0.000085%; no homozygotes.

Submission:

Ambry Genetics
Classification: Uncertain significance for Hereditary cancer-predisposing syndrome. Last evaluated: 2025-03-16. Review status: criteria provided, single submitter. Criteria: Ambry Variant Classification Scheme 2023. Collection method: clinical testing. Allele origin: germline.
Comment: The p.Y972D variant (also known as c.2914T>G), located in coding exon 18 of the RAD50 gene, results from a T to G substitution at nucleotide position 2914. The tyrosine at codon 972 is replaced by aspartic acid, an amino acid with highly dissimilar properties. This amino acid position is conserved. In addition, the in silico prediction for this alteration is inconclusive. Since supporting evidence is limited at this time, the clinical significance of this alteration remains unclear.